The following is an entry in ClinVar:

ClinVar aggregate classification (germline): Benign (0 of 4 stars; one submission).

Conditions:
UACA-related disorder. Also called: UACA-related condition.

Allele frequency attached by ClinVar (database versions not stated): gnomAD exomes 0.00110; ExAC 0.00345; 1000 Genomes Project 0.00978; 1000 Genomes Project 30x 0.01062; gnomAD 0.01128; ESP Exome Variant Server 0.01139; TOPMed 0.01255.
gnomAD v4.1: 3,378 of 1,613,906 alleles (0.21%); highest among the groups gnomAD compares: African/African-American, 4%; 63 homozygotes.

Submission:

PreventionGenetics, part of Exact Sciences
Classification: Benign for UACA-related condition. Last evaluated: 2019-04-30. Review status: no assertion criteria provided. Collection method: clinical testing. Allele origin: germline.
Comment: This variant is classified as benign based on ACMG/AMP sequence variant interpretation guidelines (Richards et al. 2015 PMID: 25741868, with internal and published modifications).

NM_018003.4(UACA):c.3447G>A (p.Val1149=)

Gene: UACA (uveal autoantigen with coiled-coil domains and ankyrin repeats; minus strand). Cytogenetic location: 15q23.
Variant type: single nucleotide variant.
Coding change: c.3447G>A on transcript NM_018003.4 (MANE Select); coding-DNA position 3447, G replaced by A.
Protein change: p.Val1149=; no amino-acid change (valine 1149 retained).
Molecular consequence: synonymous variant.
Genome position (GRCh38, 1-based): chr15:70,667,237, C>T on the plus strand (G>A on the coding strand, the complement: UACA is on the minus strand). VCF-style: chr15-70667237-C-T. GRCh37 (hg19) VCF-style: chr15-70959576-C-T.
Other names: c.3408G>A, p.Val1136= (NM_001008224.3).
Identifiers: ClinVar variation 3056178 (VCV003056178.2), dbSNP rs61746327, ClinGen allele CA7636821.